The following is an entry in ClinVar:

NM_001851.6(COL9A1):c.83G>A (p.Arg28His)

Gene: COL9A1 (collagen type IX alpha 1 chain; minus strand). Cytogenetic location: 6q13.
Variant type: single nucleotide variant.
Coding change: c.83G>A on transcript NM_001851.6 (MANE Select); coding-DNA position 83, G replaced by A.
Protein change: p.Arg28His; replaces arginine 28 with histidine.
Molecular consequence: missense variant.
Genome position (GRCh38, 1-based): chr6:70,302,006, C>T on the plus strand (G>A on the coding strand, the complement: COL9A1 is on the minus strand). VCF-style: chr6-70302006-C-T. GRCh37 (hg19) VCF-style: chr6-71011709-C-T.
Other names: c.83G>A, p.Arg28His (NM_001377291.1); short protein forms R28H.
Identifiers: ClinVar variation 963784 (VCV000963784.14), dbSNP rs778243284, ClinGen allele CA3882943.

ClinVar aggregate classification (germline): Likely benign. Review status: criteria provided, multiple submitters, no conflicts (2 of 4 stars). 4 submissions from 4 submitters: Likely benign (3). 1 of the submissions does not count toward it. Last evaluated 2025-07-01.

Conditions:
COL9A1-related disorder. Also called: COL9A1-related condition; COL9A1-related disorders.

Allele frequency attached by ClinVar (database versions not stated): gnomAD 0.00003; gnomAD exomes 0.00003 and 0.00012; TOPMed 0.00006; ExAC 0.00011.
gnomAD v4.1: 53 of 1,609,728 alleles (0.0033%); highest among the groups gnomAD compares: Admixed American, 0.054%; no homozygotes.

Submissions (4):

Labcorp Genetics (formerly Invitae), Labcorp
Classification: Likely benign. Last evaluated: 2025-07-01. Review status: criteria provided, single submitter. Criteria: Invitae Variant Classification Sherloc (09022015). Collection method: clinical testing. Allele origin: germline.

Blueprint Genetics
Classification: Likely benign. Last evaluated: 2024-04-05. Review status: criteria provided, single submitter. Criteria: ACMG Guidelines, 2015. Collection method: clinical testing. Allele origin: germline.

GeneDx
Classification: Likely benign. Last evaluated: 2020-05-26. Review status: criteria provided, single submitter. Criteria: GeneDx Variant Classification Process June 2021. Collection method: clinical testing. Allele origin: germline. Affected: yes.

PreventionGenetics, part of Exact Sciences
Classification: Likely benign for COL9A1-related condition. Last evaluated: 2022-12-22. Review status: no assertion criteria provided. Collection method: clinical testing. Allele origin: germline. Not counted in ClinVar's aggregate classification.
Comment: This variant is classified as likely benign based on ACMG/AMP sequence variant interpretation guidelines (Richards et al. 2015 PMID: 25741868, with internal and published modifications).